The following is an entry in ClinVar:

ClinVar aggregate classification (germline): Uncertain significance (1 of 4 stars; one submission).

Conditions:
Charcot-Marie-Tooth disease type 4. Also called: Charcot-Marie-Tooth disease, type IV; Charcot-Marie-Tooth, Type 4. Identifiers: Orphanet 64749, MedGen C4082197, MONDO:0018995.

Allele frequency attached by ClinVar (database versions not stated): TOPMed below 0.00001; gnomAD 0.00001.
gnomAD v4.1: 4 of 1,613,726 alleles (0.00025%); highest among the groups gnomAD compares: Non-Finnish European, 0.00034%; no homozygotes.

Submission:

Labcorp Genetics (formerly Invitae), Labcorp
Classification: Uncertain significance for Charcot-Marie-Tooth disease type 4. Last evaluated: 2022-02-01. Review status: criteria provided, single submitter. Criteria: Invitae Variant Classification Sherloc (09022015). Collection method: clinical testing. Allele origin: germline.
Comment: This sequence change replaces aspartic acid, which is acidic and polar, with asparagine, which is neutral and polar, at codon 705 of the SBF2 protein (p.Asp705Asn). This variant is not present in population databases (gnomAD no frequency). This variant has not been reported in the literature in individuals affected with SBF2-related conditions. ClinVar contains an entry for this variant (Variation ID: 850275). Algorithms developed to predict the effect of missense changes on protein structure and function output the following: SIFT: "Tolerated"; PolyPhen-2: "Benign"; Align-GVGD: "Class C0". The asparagine amino acid residue is found in multiple mammalian species, which suggests that this missense change does not adversely affect protein function. In summary, the available evidence is currently insufficient to determine the role of this variant in disease. Therefore, it has been classified as a Variant of Uncertain Significance.

NM_030962.4(SBF2):c.2113G>A (p.Asp705Asn)

Genes: SBF2 (SET binding factor 2; minus strand), LOC101928008 (uncharacterized LOC101928008; plus strand). Cytogenetic location: 11p15.4.
Variant type: single nucleotide variant.
Coding change: c.2113G>A on transcript NM_030962.4 (MANE Select); coding-DNA position 2113, G replaced by A.
Protein change: p.Asp705Asn; replaces aspartic acid 705 with asparagine.
Molecular consequence: missense variant.
Genome position (GRCh38, 1-based): chr11:9,856,708, C>T on the plus strand (G>A on the coding strand, the complement: SBF2 is on the minus strand). VCF-style: chr11-9856708-C-T. GRCh37 (hg19) VCF-style: chr11-9878255-C-T.
Other names: c.2113G>A, p.Asp705Asn (NM_001386339.1); c.1984G>A, p.Asp662Asn (NM_001386342.1); short protein forms D705N, D662N.
Identifiers: ClinVar variation 850275 (VCV000850275.7), dbSNP rs1388585918, ClinGen allele CA379639415.